The following is an entry in ClinVar:

ClinVar aggregate classification (germline): Uncertain significance (1 of 4 stars; one submission).

gnomAD v4.1: 1 of 1,611,878 alleles (0.000062%); highest among the groups gnomAD compares: Non-Finnish European, 0.000085%; no homozygotes.

Submission:

GeneDx
Classification: Uncertain significance. Last evaluated: 2025-03-04. Review status: criteria provided, single submitter. Criteria: GeneDx Variant Classification Process June 2021. Collection method: clinical testing. Allele origin: germline. Affected: yes.
Comment: Not observed at significant frequency in large population cohorts (gnomAD); In silico analysis supports that this missense variant has a deleterious effect on protein structure/function; Has not been previously published as pathogenic or benign to our knowledge

NM_024996.7(GFM1):c.1222G>T (p.Asp408Tyr)

Gene: GFM1 (G elongation factor mitochondrial 1; plus strand). Cytogenetic location: 3q25.32.
Variant type: single nucleotide variant.
Coding change: c.1222G>T on transcript NM_024996.7 (MANE Select); coding-DNA position 1222, G replaced by T.
Protein change: p.Asp408Tyr; replaces aspartic acid 408 with tyrosine.
Molecular consequence: missense variant. On other transcripts: non-coding transcript variant (4).
Genome position (GRCh38, 1-based): chr3:158,660,874, G>T. VCF-style: chr3-158660874-G-T. GRCh37 (hg19) VCF-style: chr3-158378663-G-T.
Other names: c.1279G>T, p.Asp427Tyr (NM_001308164.2); c.1222G>T, p.Asp408Tyr (NM_001308166.2); c.1141G>T, p.Asp381Tyr (NM_001374355.1); c.1105G>T, p.Asp369Tyr (NM_001374356.1); c.997G>T, p.Asp333Tyr (NM_001374357.1); c.763G>T, p.Asp255Tyr (NM_001374358.1); c.655G>T, p.Asp219Tyr (NM_001374359.1, NM_001374360.1); c.538G>T, p.Asp180Tyr (NM_001374361.1); short protein forms D180Y, D219Y, D255Y, D333Y, D369Y, D381Y, D408Y, D427Y.
Identifiers: ClinVar variation 4083374 (VCV004083374.1).